The following is an entry in ClinVar:

NM_181882.3(PRX):c.4030G>A (p.Val1344Ile)

Gene: PRX (periaxin; minus strand). Cytogenetic location: 19q13.2.
Variant type: single nucleotide variant.
Coding change: c.4030G>A on transcript NM_181882.3 (MANE Select); coding-DNA position 4030, G replaced by A.
Protein change: p.Val1344Ile; replaces valine 1344 with isoleucine.
Molecular consequence: missense variant. On other transcripts: 3 prime UTR variant (1).
Genome position (GRCh38, 1-based): chr19:40,394,322, C>T on the plus strand (G>A on the coding strand, the complement: PRX is on the minus strand). VCF-style: chr19-40394322-C-T. GRCh37 (hg19) VCF-style: chr19-40900229-C-T.
Other names: c.*4235G>A (NM_020956.2); short protein forms V1344I.
Identifiers: ClinVar variation 863086 (VCV000863086.9), dbSNP rs2079407989, ClinGen allele CA405891171.

ClinVar aggregate classification (germline): Uncertain significance (1 of 4 stars; one submission).

Conditions:
Charcot-Marie-Tooth disease type 4. Also called: Charcot-Marie-Tooth disease, type IV; Charcot-Marie-Tooth, Type 4. Identifiers: Orphanet 64749, MedGen C4082197, MONDO:0018995.

Submission:

Labcorp Genetics (formerly Invitae), Labcorp
Classification: Uncertain significance for Charcot-Marie-Tooth disease type 4. Last evaluated: 2022-06-27. Review status: criteria provided, single submitter. Criteria: Invitae Variant Classification Sherloc (09022015). Collection method: clinical testing. Allele origin: germline.
Comment: In summary, the available evidence is currently insufficient to determine the role of this variant in disease. Therefore, it has been classified as a Variant of Uncertain Significance. Algorithms developed to predict the effect of missense changes on protein structure and function (SIFT, PolyPhen-2, Align-GVGD) all suggest that this variant is likely to be tolerated. ClinVar contains an entry for this variant (Variation ID: 863086). This variant has not been reported in the literature in individuals affected with PRX-related conditions. This variant is not present in population databases (gnomAD no frequency). This sequence change replaces valine, which is neutral and non-polar, with isoleucine, which is neutral and non-polar, at codon 1344 of the PRX protein (p.Val1344Ile).